The following is an entry in ClinVar:

ClinVar aggregate classification (germline): Uncertain significance. Review status: criteria provided, multiple submitters, no conflicts (2 of 4 stars). 2 submissions from 2 submitters: Uncertain significance (2). Last evaluated 2023-11-15.

Conditions:
Inborn genetic diseases. Identifiers: MedGen C0950123, MeSH D030342.

Allele frequency attached by ClinVar (database versions not stated): gnomAD exomes 0.00002; ExAC 0.00003; gnomAD 0.00005; TOPMed 0.00005.
gnomAD v4.1: 43 of 1,614,062 alleles (0.0027%); highest among the groups gnomAD compares: Admixed American, 0.03%; no homozygotes.

Submissions (2):

Labcorp Genetics (formerly Invitae), Labcorp
Classification: Uncertain significance. Last evaluated: 2023-11-15. Review status: criteria provided, single submitter. Criteria: Invitae Variant Classification Sherloc (09022015). Collection method: clinical testing. Allele origin: germline.
Comment: This sequence change replaces asparagine, which is neutral and polar, with serine, which is neutral and polar, at codon 1175 of the CENPJ protein (p.Asn1175Ser). This variant is present in population databases (no rsID available, gnomAD 0.04%). This variant has not been reported in the literature in individuals affected with CENPJ-related conditions. ClinVar contains an entry for this variant (Variation ID: 2190858). Advanced modeling of protein sequence and biophysical properties (such as structural, functional, and spatial information, amino acid conservation, physicochemical variation, residue mobility, and thermodynamic stability) performed at Invitae indicates that this missense variant is expected to disrupt CENPJ protein function with a positive predictive value of 80%. In summary, the available evidence is currently insufficient to determine the role of this variant in disease. Therefore, it has been classified as a Variant of Uncertain Significance.

Ambry Genetics
Classification: Uncertain significance for Inborn genetic diseases. Last evaluated: 2022-05-16. Review status: criteria provided, single submitter. Criteria: Ambry Variant Classification Scheme 2023. Collection method: clinical testing. Allele origin: germline.

NM_018451.5(CPAP):c.3524A>G (p.Asn1175Ser)

Genes: CPAP (centrosome assembly and centriole elongation protein; minus strand), RNF17 (ring finger protein 17; plus strand). Cytogenetic location: 13q12.12.
Variant type: single nucleotide variant.
Coding change: c.3524A>G on transcript NM_018451.5 (MANE Select); coding-DNA position 3524, A replaced by G.
Protein change: p.Asn1175Ser; replaces asparagine 1175 with serine.
Molecular consequence: missense variant. On other transcripts: non-coding transcript variant (2).
Genome position (GRCh38, 1-based): chr13:24,884,417, T>C on the plus strand (A>G on the coding strand, the complement: CPAP is on the minus strand). VCF-style: chr13-24884417-T-C. GRCh37 (hg19) VCF-style: chr13-25458555-T-C.
Other names: c.3524A>G (NM_018451.3); short protein forms N1175S.
Identifiers: ClinVar variation 2190858 (VCV002190858.4), dbSNP rs923946549, ClinGen allele CA6919245.
Genomic context (GRCh38, chr13:24,884,417, plus strand): 5'-CCATTAAAGAAAGTGACAGTGATGGTCTTCCCATCTGCACTCACTTCCTTTCGAGTTCCA[T>C]TGGGAAACAGTATAACACGGCACCCATTCTTATAAACCTTTTCCACCTAAAAAACCAACA-3'
Protein context (NP_060921.3, residues 1165-1185): KNGCRVILFP[Asn1175Ser]GTRKEVSADG